The following is an entry in ClinVar:

NM_001875.5(CPS1):c.3646dup (p.Ser1216fs)

Gene: CPS1 (carbamoyl-phosphate synthase 1; plus strand). Cytogenetic location: 2q34.
Variant type: Duplication.
Coding change: c.3646dup on transcript NM_001875.5 (MANE Select); coding-DNA position 3646, one base duplicated (A; older notation c.3646dupA).
Protein change: p.Ser1216fs; shifts the reading frame from serine 1216.
Molecular consequence: frameshift variant. On other transcripts: non-coding transcript variant (2).
Genome position (GRCh38, 1-based): chr2:210,656,612, A duplicated. VCF-style (leftmost placement, unchanged base first): chr2-210656611-C-CA. GRCh37 (hg19) VCF-style: chr2-211521335-C-CA.
Other names: c.3646dupA (NM_001875.4); c.3646dup, p.Ser1216fs (NM_001122633.3, NM_001369257.1); c.3679dup, p.Ser1227fs (NM_001369256.1); short protein forms S1216fs, S1227fs.
Identifiers: ClinVar variation 4814962 (VCV004814962.2).
Genomic context (GRCh38, chr2:210,656,611, plus strand): 5'-TGTTGAAGATGCAGGTGTCCACTCGGGAGATGCCACTCTGATGCTGCCCACACAAACCAT[C>CA]AGCCAAGGGGCCATTGAAAAGGTCATCATTTATAAATAAAAGTGGAAGGGAAAAGGCAAC-3'

ClinVar aggregate classification (germline): Pathogenic/Likely pathogenic. Review status: criteria provided, multiple submitters, no conflicts (2 of 4 stars). 2 submissions from 2 submitters: Pathogenic (1); Likely pathogenic (1). Last evaluated 2025-07-29.

Conditions:
Congenital hyperammonemia, type I. Also called: Carbamoyl phosphate synthetase I deficiency disease; CPS I DEFICIENCY; Carbamoyl phosphate synthetase 1 deficiency; Hyperammonemia due to carbamoyl phosphate synthetase 1 deficiency; CPS 1 deficiency; Carbamyl phosphate synthetase (CPS) deficiency. Identifiers: Orphanet 147, MedGen C4082171, MONDO:0009376, OMIM 237300.

Submissions (2):

Myriad Genetics, Inc.
Classification: Pathogenic for Congenital hyperammonemia, type I. Last evaluated: 2025-07-29. Review status: criteria provided, single submitter. Criteria: Myriad Autosomal Dominant, Autosomal Recessive and X-Linked Classification Criteria (2023). Collection method: clinical testing. Allele origin: unknown.
Comment: NM_001875.4(CPS1):c.3646dupA(S1216Kfs*6) is expected to be pathogenic in the context of carbamoylphosphate synthetase I deficiency. This variant is predicted to lead to an abnormal or absent protein product due to the creation of a premature termination codon in CPS1, a gene where loss-of-function variants are known to be pathogenic. Please note: this variant was assessed in the context of healthy population screening.

Natera, Inc.
Classification: Likely pathogenic for Carbamoyl-phosphate synthase I deficiency. Last evaluated: 2024-06-11. Review status: criteria provided, single submitter. Criteria: Natera Variant Classification Schema (03/2026). Collection method: clinical testing. Allele origin: germline.
Comment: The c.3646dupA variant in CPS1 is a frameshift variant predicted to shift the reading frame beginning at codon 1216 and leads to a stop codon 6 codons downstream. This variant is expected to result in nonsense mediated decay, truncation, or a dysfunctional protein product. This variant is rare in the general population with a frequency below the threshold expected for the associated phenotype(s). Given the available evidence, this variant is classified as Likely Pathogenic.